The following is an entry in ClinVar:

ClinVar aggregate classification (germline): Uncertain significance (1 of 4 stars; one submission).

Conditions:
Cohen syndrome (COH1). Also called: Cutis verticis gyrata, retinitis pigmentosa, and sensorineural deafness; PEPPER SYNDROME. Identifiers: Orphanet 193, MedGen C0265223, MONDO:0008999, OMIM 216550.

Allele frequency attached by ClinVar (database versions not stated): ExAC 0.00001; gnomAD 0.00001; TOPMed 0.00001.
gnomAD v4.1: 2 of 1,613,976 alleles (0.00012%); highest among the groups gnomAD compares: Non-Finnish European, 0.00017%; no homozygotes.

Submissions (2):

Labcorp Genetics (formerly Invitae), Labcorp
Classification: Uncertain significance for Cohen syndrome. Last evaluated: 2022-08-09. Review status: criteria provided, single submitter. Criteria: Invitae Variant Classification Sherloc (09022015). Collection method: clinical testing. Allele origin: germline.
Comment: This sequence change falls in intron 58 of the VPS13B gene. It does not directly change the encoded amino acid sequence of the VPS13B protein. It affects a nucleotide within the consensus splice site. This variant is not present in population databases (gnomAD no frequency). This variant has not been reported in the literature in individuals affected with VPS13B-related conditions. Variants that disrupt the consensus splice site are a relatively common cause of aberrant splicing (PMID: 17576681, 9536098). Algorithms developed to predict the effect of sequence changes on RNA splicing suggest that this variant may disrupt the consensus splice site. In summary, the available evidence is currently insufficient to determine the role of this variant in disease. Therefore, it has been classified as a Variant of Uncertain Significance.

Dr. Peter K. Rogan Lab, Western University
No classification provided (evidence only). Condition: Colon adenocarcinoma. Review status: no classification provided. Collection method: in vitro. Allele origin: not applicable. Functional consequence: skipped exon, retained intron. Not counted in ClinVar's aggregate classification.

Literature cited by the submitters: PubMed 17576681 (cited by Labcorp Genetics (formerly Invitae), Labcorp); PubMed 9536098 (cited by Labcorp Genetics (formerly Invitae), Labcorp).

NM_152564.5(VPS13B):c.11216-3C>G

Gene: VPS13B (vacuolar protein sorting 13 homolog B; plus strand). Cytogenetic location: 8q22.2.
Variant type: single nucleotide variant.
Coding change: c.11216-3C>G on transcript NM_152564.5 (MANE Select); 3 bases into the intron before coding-DNA position 11216, C replaced by G.
Molecular consequence: intron variant.
Genome position (GRCh38, 1-based): chr8:99,868,286, C>G. VCF-style: chr8-99868286-C-G. GRCh37 (hg19) VCF-style: chr8-100880514-C-G.
Other names: c.11291-3C>G (NM_017890.5).
Identifiers: ClinVar variation 2023247 (VCV002023247.5), dbSNP rs777933862, ClinGen allele CA4825186.
Genomic context (GRCh38, chr8:99,868,286, plus strand): 5'-GGAGCCTTTCATTTTCCGAGGATTTTAAGCCTCTGTCCTTACTGAGGGCTTTTGTTATTC[C>G]AGGTGCAATTGCTGGTATAGTTGATCAGCCGATGCAGAACTTCCAGAAAACATCTGAGGC-3'